The following is an entry in ClinVar:

NM_005560.6(LAMA5):c.10959C>T (p.Ala3653=)

Gene: LAMA5 (laminin subunit alpha 5; minus strand). Cytogenetic location: 20q13.33.
Variant type: single nucleotide variant.
Coding change: c.10959C>T on transcript NM_005560.6 (MANE Select); coding-DNA position 10959, C replaced by T.
Protein change: p.Ala3653=; no amino-acid change (alanine 3653 retained).
Molecular consequence: synonymous variant.
Genome position (GRCh38, 1-based): chr20:62,309,465, G>A on the plus strand (C>T on the coding strand, the complement: LAMA5 is on the minus strand). VCF-style: chr20-62309465-G-A. GRCh37 (hg19) VCF-style: chr20-60884521-G-A.
Identifiers: ClinVar variation 3059747 (VCV003059747.4), dbSNP rs760797947, ClinGen allele CA9939500.
Genomic context (GRCh38, chr20:62,309,465, plus strand): 5'-GGACCGGTTCACCGCCAGCCTCCTCATGCAGCCGCAGTAGGCGGGGGGCCAGGGCTGCAC[G>A]GCCATGGGCTCTGGGGGCACAGGGAAGATGGAAGAAGGCTGGTTGGTGGGCAGCTAGAGA-3'
Protein context (NP_005551.3, residues 3643-3663): LYLGGLPEPM[Ala3653=]VQPWPPAYCG

ClinVar aggregate classification (germline): Benign. Review status: criteria provided, single submitter (1 of 4 stars). 2 submissions from 2 submitters: Benign (1). 1 of the submissions does not count toward it. Last evaluated 2025-03-10.

Conditions:
LAMA5-related disorder. Also called: LAMA5-Related Disorders; LAMA5-related condition.

Allele frequency attached by ClinVar (database versions not stated): gnomAD 0.00003; TOPMed 0.00002; ExAC 0.00021.
gnomAD v4.1: 83 of 1,580,670 alleles (0.0053%); highest among the groups gnomAD compares: South Asian, 0.074%; 1 homozygote.

Submissions (2):

Labcorp Genetics (formerly Invitae), Labcorp
Classification: Benign. Last evaluated: 2025-03-10. Review status: criteria provided, single submitter. Criteria: Invitae Variant Classification Sherloc (09022015). Collection method: clinical testing. Allele origin: germline.

PreventionGenetics, part of Exact Sciences
Classification: Likely benign for LAMA5-related condition. Last evaluated: 2019-05-07. Review status: no assertion criteria provided. Collection method: clinical testing. Allele origin: germline. Not counted in ClinVar's aggregate classification.
Comment: This variant is classified as likely benign based on ACMG/AMP sequence variant interpretation guidelines (Richards et al. 2015 PMID: 25741868, with internal and published modifications).